The following is an entry in ClinVar:

NM_014612.5(FAM120A):c.2057G>T (p.Arg686Leu)

Gene: FAM120A (family with sequence similarity 120 member A; plus strand). Cytogenetic location: 9q22.31.
Variant type: single nucleotide variant.
Coding change: c.2057G>T on transcript NM_014612.5 (MANE Select); coding-DNA position 2057, G replaced by T.
Protein change: p.Arg686Leu; replaces arginine 686 with leucine.
Molecular consequence: missense variant.
Genome position (GRCh38, 1-based): chr9:93,543,369, G>T. VCF-style: chr9-93543369-G-T. GRCh37 (hg19) VCF-style: chr9-96305651-G-T.
Other names: c.2054G>T, p.Arg685Leu (NM_001286722.2); short protein forms R685L, R686L.
Identifiers: ClinVar variation 2429029 (VCV002429029.4), dbSNP rs749235071, ClinGen allele CA374067742.
Genomic context (GRCh38, chr9:93,543,369, plus strand): 5'-AGTGGACCTGCCCCAACCTGAAGAGGCTGTGGTTGGGTAAGGCGGTAGAGGACAAGAACC[G>T]CAGGATGAGGGCCTTCCTGGCCTGCATGAGGTCGGACACCCCAGCCATGCTCAACCCTGC-3'
Protein context (NP_055427.2, residues 676-696): WLGKAVEDKN[Arg686Leu]RMRAFLACMR

ClinVar aggregate classification (germline): Uncertain significance (1 of 4 stars; one submission).

gnomAD v4.1: 1 of 1,614,172 alleles (0.000062%); highest among the groups gnomAD compares: Non-Finnish European, 0.000085%; no homozygotes.

Submission:

Greenwood Genetic Center Diagnostic Laboratories, Greenwood Genetic Center
Classification: Uncertain significance. Last evaluated: 2022-12-14. Review status: criteria provided, single submitter. Criteria: ACMG Guidelines, 2015. Collection method: clinical testing. Allele origin: germline. Affected: yes.
Comment: Gene of Uncertain Significance